The following is an entry in ClinVar:

ClinVar aggregate classification (germline): Uncertain significance. Review status: criteria provided, multiple submitters, no conflicts (2 of 4 stars). 2 submissions from 2 submitters: Uncertain significance (2). Last evaluated 2025-06-12.

Conditions:
Inborn genetic diseases. Identifiers: MedGen C0950123, MeSH D030342.

Allele frequency attached by ClinVar (database versions not stated): gnomAD exomes below 0.00001.
gnomAD v4.1: 7 of 1,611,262 alleles (0.00043%); highest among the groups gnomAD compares: East Asian, 0.0067%; no homozygotes.

Submissions (2):

Ambry Genetics
Classification: Uncertain significance for Inborn genetic diseases. Last evaluated: 2025-06-12. Review status: criteria provided, single submitter. Criteria: Ambry Variant Classification Scheme 2023. Collection method: clinical testing. Allele origin: germline.

Labcorp Genetics (formerly Invitae), Labcorp
Classification: Uncertain significance. Last evaluated: 2022-03-29. Review status: criteria provided, single submitter. Criteria: Invitae Variant Classification Sherloc (09022015). Collection method: clinical testing. Allele origin: germline.
Comment: This sequence change replaces threonine, which is neutral and polar, with asparagine, which is neutral and polar, at codon 30 of the BOLA3 protein (p.Thr30Asn). This variant is present in population databases (rs377556422, gnomAD 0.02%). This variant has not been reported in the literature in individuals affected with BOLA3-related conditions. Algorithms developed to predict the effect of missense changes on protein structure and function are either unavailable or do not agree on the potential impact of this missense change (SIFT: "Deleterious"; PolyPhen-2: "Benign"; Align-GVGD: "Class C0"). In summary, the available evidence is currently insufficient to determine the role of this variant in disease. Therefore, it has been classified as a Variant of Uncertain Significance.

NM_212552.3(BOLA3):c.89C>A (p.Thr30Asn)

Gene: BOLA3 (bolA family member 3; minus strand). Cytogenetic location: 2p13.1.
Variant type: single nucleotide variant.
Coding change: c.89C>A on transcript NM_212552.3 (MANE Select); coding-DNA position 89, C replaced by A.
Protein change: p.Thr30Asn; replaces threonine 30 with asparagine.
Molecular consequence: missense variant.
Genome position (GRCh38, 1-based): chr2:74,145,269, G>T on the plus strand (C>A on the coding strand, the complement: BOLA3 is on the minus strand). VCF-style: chr2-74145269-G-T. GRCh37 (hg19) VCF-style: chr2-74372396-G-T.
Other names: c.89C>A, p.Thr30Asn (NM_001035505.2); c.89C>A (NM_212552.2); short protein forms T30N.
Identifiers: ClinVar variation 1909108 (VCV001909108.5), dbSNP rs377556422, ClinGen allele CA50434999.
Genomic context (GRCh38, chr2:74,145,269, plus strand): 5'-ATAGCTGTAGCTCGTGGAAACTTTTCTTTGAGAATTTGGGTCACTCTGAGCTCCCCCTCA[G>T]TCTGAGTGGCAAACATCCGATGGTGAAGTGGAAGCTGCCACAGAACAGAGAGGAAGGTCA-3'
Protein context (NP_997717.2, residues 20-40): PLHHRMFATQ[Thr30Asn]EGELRVTQIL